The following is an entry in ClinVar:

NM_000426.4(LAMA2):c.3240C>A (p.Asn1080Lys)

Gene: LAMA2 (laminin subunit alpha 2; plus strand). Cytogenetic location: 6q22.33.
Variant type: single nucleotide variant.
Coding change: c.3240C>A on transcript NM_000426.4 (MANE Select); coding-DNA position 3240, C replaced by A.
Protein change: p.Asn1080Lys; replaces asparagine 1080 with lysine.
Molecular consequence: missense variant.
Genome position (GRCh38, 1-based): chr6:129,312,926, C>A. VCF-style: chr6-129312926-C-A. GRCh37 (hg19) VCF-style: chr6-129634071-C-A.
Other names: c.3240C>A, p.Asn1080Lys (NM_001079823.2); c.3240C>A (NM_000426.3); short protein forms N1080K.
Identifiers: ClinVar variation 1403730 (VCV001403730.10), dbSNP rs2114494005, ClinGen allele CA365611773.

ClinVar aggregate classification (germline): Uncertain significance. Review status: criteria provided, multiple submitters, no conflicts (2 of 4 stars). 2 submissions from 2 submitters: Uncertain significance (2). Last evaluated 2022-02-08.

Conditions:
LAMA2-related muscular dystrophy (LAMA2-RD). Also called: Laminin alpha 2-related dystrophy. Identifiers: MedGen C5679788, MONDO:0100228.

Submissions (2):

Labcorp Genetics (formerly Invitae), Labcorp
Classification: Uncertain significance for LAMA2-related muscular dystrophy. Last evaluated: 2022-02-08. Review status: criteria provided, single submitter. Criteria: Invitae Variant Classification Sherloc (09022015). Collection method: clinical testing. Allele origin: germline.
Comment: This sequence change replaces asparagine, which is neutral and polar, with lysine, which is basic and polar, at codon 1080 of the LAMA2 protein (p.Asn1080Lys). This variant is not present in population databases (gnomAD no frequency). This variant has not been reported in the literature in individuals affected with LAMA2-related conditions. Advanced modeling of protein sequence and biophysical properties (such as structural, functional, and spatial information, amino acid conservation, physicochemical variation, residue mobility, and thermodynamic stability) performed at Invitae indicates that this missense variant is not expected to disrupt LAMA2 protein function. In summary, the available evidence is currently insufficient to determine the role of this variant in disease. Therefore, it has been classified as a Variant of Uncertain Significance.

Revvity Omics, Revvity
Classification: Uncertain significance. Last evaluated: 2020-04-05. Review status: criteria provided, single submitter. Criteria: ACMG Guidelines, 2015. Collection method: clinical testing. Allele origin: germline.